The following is an entry in ClinVar:

NM_000368.5(TSC1):c.440G>C (p.Gly147Ala)

Gene: TSC1 (TSC complex subunit 1; minus strand). Cytogenetic location: 9q34.13.
Variant type: single nucleotide variant.
Coding change: c.440G>C on transcript NM_000368.5 (MANE Select); coding-DNA position 440, G replaced by C.
Protein change: p.Gly147Ala; replaces glycine 147 with alanine.
Molecular consequence: missense variant.
Genome position (GRCh38, 1-based): chr9:132,923,416, C>G on the plus strand (G>C on the coding strand, the complement: TSC1 is on the minus strand). VCF-style: chr9-132923416-C-G. GRCh37 (hg19) VCF-style: chr9-135798803-C-G.
Other names: c.440G>C, p.Gly147Ala (NM_001162426.2); c.287G>C, p.Gly96Ala (NM_001162427.2); c.77G>C, p.Gly26Ala (NM_001362177.2); short protein forms G147A, G26A, G96A.
Identifiers: ClinVar variation 960766 (VCV000960766.10), dbSNP rs1846675803, ClinGen allele CA375373420.

ClinVar aggregate classification (germline): Uncertain significance (1 of 4 stars; one submission).

Conditions:
Tuberous sclerosis 1 (TSC1). Identifiers: Orphanet 805, MedGen C1854465, MONDO:0008612, OMIM 191100.

Submission:

Labcorp Genetics (formerly Invitae), Labcorp
Classification: Uncertain significance for Tuberous sclerosis 1. Last evaluated: 2024-04-24. Review status: criteria provided, single submitter. Criteria: Invitae Variant Classification Sherloc (09022015). Collection method: clinical testing. Allele origin: germline.
Comment: This sequence change replaces glycine, which is neutral and non-polar, with alanine, which is neutral and non-polar, at codon 147 of the TSC1 protein (p.Gly147Ala). This variant is not present in population databases (gnomAD no frequency). This variant has not been reported in the literature in individuals affected with TSC1-related conditions. ClinVar contains an entry for this variant (Variation ID: 960766). Advanced modeling of protein sequence and biophysical properties (such as structural, functional, and spatial information, amino acid conservation, physicochemical variation, residue mobility, and thermodynamic stability) performed at Invitae indicates that this missense variant is not expected to disrupt TSC1 protein function with a negative predictive value of 95%. In summary, the available evidence is currently insufficient to determine the role of this variant in disease. Therefore, it has been classified as a Variant of Uncertain Significance.